The following is an entry in ClinVar:

ClinVar aggregate classification (germline): Uncertain significance. Review status: criteria provided, multiple submitters, no conflicts (2 of 4 stars). 2 submissions from 2 submitters: Uncertain significance (2). Last evaluated 2024-06-25.

Conditions:
Hereditary cancer-predisposing syndrome. Also called: Neoplastic Syndromes, Hereditary; Hereditary Cancer Syndrome; Hereditary neoplastic syndrome; Tumor predisposition. Identifiers: Orphanet 140162, MedGen C0027672, MeSH D009386, MONDO:0015356.

gnomAD v4.1: 6 of 1,613,814 alleles (0.00037%); highest among the groups gnomAD compares: South Asian, 0.0066%; 1 homozygote.

Submissions (2):

Ambry Genetics
Classification: Uncertain significance for Hereditary cancer-predisposing syndrome. Last evaluated: 2024-06-25. Review status: criteria provided, single submitter. Criteria: Ambry Variant Classification Scheme 2023. Collection method: clinical testing. Allele origin: germline.
Comment: The p.A1776P variant (also known as c.5326G>C), located in coding exon 39 of the POLE gene, results from a G to C substitution at nucleotide position 5326. The alanine at codon 1776 is replaced by proline, an amino acid with highly similar properties. This amino acid position is conserved. In addition, this alteration is predicted to be tolerated by in silico analysis. Based on the available evidence, the clinical significance of this variant remains unclear.

Labcorp Genetics (formerly Invitae), Labcorp
Classification: Uncertain significance. Last evaluated: 2023-03-03. Review status: criteria provided, single submitter. Criteria: Invitae Variant Classification Sherloc (09022015). Collection method: clinical testing. Allele origin: germline.
Comment: In summary, the available evidence is currently insufficient to determine the role of this variant in disease. Therefore, it has been classified as a Variant of Uncertain Significance. Advanced modeling of protein sequence and biophysical properties (such as structural, functional, and spatial information, amino acid conservation, physicochemical variation, residue mobility, and thermodynamic stability) performed at Invitae indicates that this missense variant is not expected to disrupt POLE protein function. This variant has not been reported in the literature in individuals affected with POLE-related conditions. This variant is present in population databases (no rsID available, gnomAD 0.003%). This sequence change replaces alanine, which is neutral and non-polar, with proline, which is neutral and non-polar, at codon 1776 of the POLE protein (p.Ala1776Pro).

NM_006231.4(POLE):c.5326G>C (p.Ala1776Pro)

Gene: POLE (DNA polymerase epsilon, catalytic subunit; minus strand). Cytogenetic location: 12q24.33.
Variant type: single nucleotide variant.
Coding change: c.5326G>C on transcript NM_006231.4 (MANE Select); coding-DNA position 5326, G replaced by C.
Protein change: p.Ala1776Pro; replaces alanine 1776 with proline.
Molecular consequence: missense variant.
Genome position (GRCh38, 1-based): chr12:132,641,699, C>G on the plus strand (G>C on the coding strand, the complement: POLE is on the minus strand). VCF-style: chr12-132641699-C-G. GRCh37 (hg19) VCF-style: chr12-133218285-C-G.
Other names: c.5326G>C (NM_006231.2); short protein forms A1776P.
Identifiers: ClinVar variation 2842366 (VCV002842366.4), dbSNP rs748644914, ClinGen allele CA387375913.